The following is an entry in ClinVar:

ClinVar aggregate classification (germline): Likely pathogenic (1 of 4 stars; one submission).

Submission:

GeneDx
Classification: Likely pathogenic. Last evaluated: 2017-06-22. Review status: criteria provided, single submitter. Criteria: GeneDx Variant Classification (06012015). Collection method: clinical testing. Allele origin: germline. Affected: yes.
Comment: The c.1195+1G>C variant in the ACAD8 gene has not been reported previously as a pathogenic variant nor as a benign variant, to our knowledge. This variant reduces the quality of the splice donor site in intron 10, and is expected to cause abnormal gene splicing. The c.1195+1G>C variant is not observed in large population cohorts (Lek et al., 2016; 1000 Genomes Consortium et al., 2015; Exome Variant Server). We interpret c.1195+1G>C as a likely pathogenic variant.

NM_014384.3(ACAD8):c.1195+1G>C

Gene: ACAD8 (acyl-CoA dehydrogenase family member 8; plus strand). Cytogenetic location: 11q25.
Variant type: single nucleotide variant.
Coding change: c.1195+1G>C on transcript NM_014384.3 (MANE Select); the canonical splice donor site of the intron after coding-DNA position 1195, G replaced by C.
Molecular consequence: splice donor variant.
Genome position (GRCh38, 1-based): chr11:134,262,623, G>C. VCF-style: chr11-134262623-G-C. GRCh37 (hg19) VCF-style: chr11-134132517-G-C.
Identifiers: ClinVar variation 448979 (VCV000448979.2), dbSNP rs1555067461, ClinGen allele CA383519473.